The following is an entry in ClinVar:

ClinVar aggregate classification (germline): Uncertain significance (1 of 4 stars; one submission).

Allele frequency attached by ClinVar (database versions not stated): gnomAD exomes below 0.00001; gnomAD 0.00001; ExAC 0.00003; 1000 Genomes Project 30x 0.00016; 1000 Genomes Project 0.00020.
gnomAD v4.1: 3 of 1,585,588 alleles (0.00019%); highest among the groups gnomAD compares: East Asian, 0.0068%; no homozygotes.

Submission:

Labcorp Genetics (formerly Invitae), Labcorp
Classification: Uncertain significance. Last evaluated: 2022-05-26. Review status: criteria provided, single submitter. Criteria: Invitae Variant Classification Sherloc (09022015). Collection method: clinical testing. Allele origin: germline.
Comment: Algorithms developed to predict the effect of missense changes on protein structure and function (SIFT, PolyPhen-2, Align-GVGD) all suggest that this variant is likely to be tolerated. In summary, the available evidence is currently insufficient to determine the role of this variant in disease. Therefore, it has been classified as a Variant of Uncertain Significance. This variant has not been reported in the literature in individuals affected with TANC2-related conditions. This variant is present in population databases (rs548539914, gnomAD 0.01%). This sequence change replaces threonine, which is neutral and polar, with serine, which is neutral and polar, at codon 236 of the TANC2 protein (p.Thr236Ser).

NM_001394998.1(TANC2):c.929C>G (p.Thr310Ser)

Gene: TANC2 (tetratricopeptide repeat, ankyrin repeat and coiled-coil containing 2; plus strand). Cytogenetic location: 17q23.3.
Variant type: single nucleotide variant.
Coding change: c.929C>G on transcript NM_001394998.1 (MANE Select); coding-DNA position 929, C replaced by G.
Protein change: p.Thr310Ser; replaces threonine 310 with serine.
Molecular consequence: missense variant.
Genome position (GRCh38, 1-based): chr17:63,237,973, C>G. VCF-style: chr17-63237973-C-G. GRCh37 (hg19) VCF-style: chr17-61315334-C-G.
Other names: c.707C>G, p.Thr236Ser (NM_001411076.1, NM_025185.4); short protein forms T310S, T236S.
Identifiers: ClinVar variation 2191266 (VCV002191266.4), dbSNP rs548539914, ClinGen allele CA8697464.